The following is an entry in ClinVar:

ClinVar aggregate classification (germline): Uncertain significance. Review status: criteria provided, multiple submitters, no conflicts (2 of 4 stars). 3 submissions from 3 submitters: Uncertain significance (3). Last evaluated 2024-09-26.

Conditions:
Inborn genetic diseases. Identifiers: MedGen C0950123, MeSH D030342.
Nemaline myopathy 2 (NEM2). Also called: Nemaline myopathy 2, autosomal recessive. Identifiers: MedGen C1850569, MONDO:0009725, OMIM 256030.

Allele frequency attached by ClinVar (database versions not stated): gnomAD exomes below 0.00001; ExAC 0.00001.
gnomAD v4.1: 1 of 1,613,872 alleles (0.000062%); highest among the groups gnomAD compares: Non-Finnish European, 0.000085%; no homozygotes.

Submissions (3):

Ambry Genetics
Classification: Uncertain significance for Inborn genetic diseases. Last evaluated: 2024-09-26. Review status: criteria provided, single submitter. Criteria: Ambry Variant Classification Scheme 2023. Collection method: clinical testing. Allele origin: germline.

Labcorp Genetics (formerly Invitae), Labcorp
Classification: Uncertain significance for Nemaline myopathy 2. Last evaluated: 2022-06-20. Review status: criteria provided, single submitter. Criteria: Invitae Variant Classification Sherloc (09022015). Collection method: clinical testing. Allele origin: germline.
Comment: This sequence change replaces isoleucine, which is neutral and non-polar, with threonine, which is neutral and polar, at codon 8362 of the NEB protein (p.Ile8362Thr). This variant is present in population databases (rs775698655, gnomAD 0.003%). This variant has not been reported in the literature in individuals affected with NEB-related conditions. Algorithms developed to predict the effect of missense changes on protein structure and function are either unavailable or do not agree on the potential impact of this missense change (SIFT: "Tolerated"; PolyPhen-2: "Not Available"; Align-GVGD: "Class C0"). In summary, the available evidence is currently insufficient to determine the role of this variant in disease. Therefore, it has been classified as a Variant of Uncertain Significance.

Revvity Omics, Revvity
Classification: Uncertain significance. Last evaluated: 2020-09-04. Review status: criteria provided, single submitter. Criteria: ACMG Guidelines, 2015. Collection method: clinical testing. Allele origin: germline.

NM_001164508.2(NEB):c.24980T>C (p.Ile8327Thr)

Genes: NEB (nebulin; minus strand), RIF1 (replication timing regulatory factor 1; plus strand). Cytogenetic location: 2q23.3.
Variant type: single nucleotide variant.
Coding change: c.24980T>C on transcript NM_001164508.2 (MANE Select); coding-DNA position 24980, T replaced by C.
Protein change: p.Ile8327Thr; replaces isoleucine 8327 with threonine.
Molecular consequence: missense variant.
Genome position (GRCh38, 1-based): chr2:151,492,175, A>G on the plus strand (T>C on the coding strand, the complement: NEB is on the minus strand). VCF-style: chr2-151492175-A-G. GRCh37 (hg19) VCF-style: chr2-152348689-A-G.
Other names: c.25085T>C (NM_001271208.1); c.24980T>C, p.Ile8327Thr (NM_001164507.2); c.25085T>C, p.Ile8362Thr (NM_001271208.2); c.19412T>C, p.Ile6471Thr (NM_004543.5); c.19412T>C (NM_004543.4); short protein forms I8327T, I8362T, I6471T.
Identifiers: ClinVar variation 1389188 (VCV001389188.6), dbSNP rs775698655, ClinGen allele CA1905856.
Genomic context (GRCh38, chr2:151,492,175, plus strand): 5'-TCTTGGTCATTCCGTTTTTGTTCCATTTCTACCACTTTCCTCTGAATACCTCGGTAGTTA[A>G]TGTCACTGAAGTCCTGCATGTTCTTCTTTACTCGTTCAGTGATAGGATCTGTCACCACTG-3'
Protein context (NP_001157980.2, residues 8317-8337): VKKNMQDFSD[Ile8327Thr]NYRGIQRKVV